The following is an entry in ClinVar:

NM_003289.4(TPM2):c.564-9C>T

Gene: TPM2 (tropomyosin 2; minus strand). Cytogenetic location: 9p13.3.
Variant type: single nucleotide variant.
Coding change: c.564-9C>T on transcript NM_003289.4 (MANE Select); 9 bases into the intron before coding-DNA position 564, C replaced by T.
Molecular consequence: intron variant.
Genome position (GRCh38, 1-based): chr9:35,684,816, G>A on the plus strand (C>T on the coding strand, the complement: TPM2 is on the minus strand). VCF-style: chr9-35684816-G-A. GRCh37 (hg19) VCF-style: chr9-35684813-G-A.
Other names: c.639+248C>T (NM_213674.1, NM_001301227.2); c.564-9C>T (NM_001301226.2).
Identifiers: ClinVar variation 366770 (VCV000366770.18), dbSNP rs763429317, ClinGen allele CA5047244.
Genomic context (GRCh38, chr9:35,684,816, plus strand): 5'-TTTCAAGTTGTTGGTAACAATTTTCAGCTCCTCCTCTAGGTCCCCACATTTACTGCAGGG[G>A]GTGTGTGGCGGGGGGGGCAGGGTGTGAGGGCACAGCGAAGCCAGACAGTGGAGATGGCAC-3'

ClinVar aggregate classification (germline): Conflicting classifications of pathogenicity. Review status: criteria provided, conflicting classifications (1 of 4 stars). 6 submissions from 5 submitters: Uncertain significance (1); Likely benign (5). Last evaluated 2026-01-09.

Conditions:
Arthrogryposis, distal, type 1A. Also called: ARTHROGRYPOSIS MULTIPLEX CONGENITA, DISTAL, TYPE I. Identifiers: Orphanet 1146, MedGen C6022280, MONDO:0007157, OMIM 108120.
Congenital myopathy 23 (CMYO23). Also called: NEMALINE MYOPATHY 4; CAP MYOPATHY 2; Nemaline myopathy 4, autosomal dominant. Identifiers: MedGen C1836447, MONDO:0012240, OMIM 609285.

Allele frequency attached by ClinVar (database versions not stated): gnomAD 0.00001 and 0.00006; TOPMed 0.00005.
gnomAD v4.1: 113 of 1,558,568 alleles (0.0073%); highest among the groups gnomAD compares: Middle Eastern, 0.15%; no homozygotes.

Submissions (6):

Labcorp Genetics (formerly Invitae), Labcorp
Classification: Likely benign for Digitotalar dysmorphism. Last evaluated: 2026-01-09. Review status: criteria provided, single submitter. Criteria: Invitae Variant Classification Sherloc (09022015). Collection method: clinical testing. Allele origin: germline.

Blueprint Genetics
Classification: Likely benign. Last evaluated: 2024-02-29. Review status: criteria provided, single submitter. Criteria: ACMG Guidelines, 2015. Collection method: clinical testing. Allele origin: germline.

Athena Diagnostics
Classification: Likely benign. Last evaluated: 2019-12-30. Review status: criteria provided, single submitter. Criteria: Athena Diagnostics Criteria. Collection method: clinical testing. Allele origin: unknown.

Illumina Laboratory Services, Illumina
Classification: Uncertain significance for Arthrogryposis, distal, type 1A. Last evaluated: 2018-01-13. Review status: criteria provided, single submitter. Criteria: ICSL Variant Classification Criteria 13 December 2019. Collection method: clinical testing. Allele origin: germline.

Illumina Laboratory Services, Illumina
Classification: Likely benign for Congenital myopathy 23. Last evaluated: 2018-01-13. Review status: criteria provided, single submitter. Criteria: ICSL Variant Classification Criteria 13 December 2019. Collection method: clinical testing. Allele origin: germline.
Comment: This variant was observed in the ICSL laboratory as part of a predisposition screen in an ostensibly healthy population. It had not been previously curated by ICSL or reported in the Human Gene Mutation Database (HGMD: prior to June 1st, 2018), and was therefore a candidate for classification through an automated scoring system. Utilizing variant allele frequency, disease prevalence and penetrance estimates, and inheritance mode, an automated score was calculated to assess if this variant is too frequent to cause the disease. Based on the score and internal cut-off values, a variant classified as likely benign is not then subjected to further curation. The score for this variant resulted in a classification of likely benign for this disease.

GeneDx
Classification: Likely benign. Last evaluated: 2017-05-12. Review status: criteria provided, single submitter. Criteria: GeneDx Variant Classification (06012015). Collection method: clinical testing. Allele origin: germline. Affected: yes.
Comment: This variant is considered likely benign or benign based on one or more of the following criteria: it is a conservative change, it occurs at a poorly conserved position in the protein, it is predicted to be benign by multiple in silico algorithms, and/or has population frequency not consistent with disease.